The following is an entry in ClinVar:

ClinVar aggregate classification (germline): Benign. Review status: criteria provided, multiple submitters, no conflicts (2 of 4 stars). 8 submissions from 8 submitters: Benign (6). 2 of the submissions do not count toward it. Last evaluated 2026-02-04.

Conditions:
Biotin-responsive basal ganglia disease (BTBGD). Also called: Thiamine metabolism dysfunction syndrome type 2; Thiamine Transporter-2 Deficiency; Thiamine metabolism dysfunction syndrome 2 (biotin- or thiamine-responsive encephalopathy type 2); thiamine-responsive encephalopathy; THIAMINE METABOLISM DYSFUNCTION SYNDROME 2 (BIOTIN- AND THIAMINE-RESPONSIVE TYPE). Identifiers: Orphanet 199348, Orphanet 65284, MedGen C1843807, MONDO:0011841, OMIM 607483.

Allele frequency attached by ClinVar (database versions not stated): gnomAD exomes 0.01743 and 0.02958; ExAC 0.03434; gnomAD 0.08450 and 0.09001; TOPMed 0.09501; 1000 Genomes Project 0.09744; ESP Exome Variant Server 0.09749; 1000 Genomes Project 30x 0.10868.
gnomAD v4.1: 38,918 of 1,614,086 alleles (2.4%); highest among the groups gnomAD compares: African/African-American, 27%; 2,926 homozygotes.

Submissions (8):

Labcorp Genetics (formerly Invitae), Labcorp
Classification: Benign for Biotin-responsive basal ganglia disease. Last evaluated: 2026-02-04. Review status: criteria provided, single submitter. Criteria: Invitae Variant Classification Sherloc (09022015). Collection method: clinical testing. Allele origin: germline.

Blueprint Genetics
Classification: Benign. Last evaluated: 2024-11-26. Review status: criteria provided, single submitter. Criteria: ACMG Guidelines, 2015. Collection method: clinical testing. Allele origin: germline.

Illumina Laboratory Services, Illumina
Classification: Benign for Biotin-responsive basal ganglia disease. Last evaluated: 2018-01-13. Review status: criteria provided, single submitter. Criteria: ICSL Variant Classification Criteria 13 December 2019. Collection method: clinical testing. Allele origin: germline.
Comment: This variant was observed in the ICSL laboratory as part of a predisposition screen in an ostensibly healthy population. It had not been previously curated by ICSL or reported in the Human Gene Mutation Database (HGMD: prior to June 1st, 2018), and was therefore a candidate for classification through an automated scoring system. Utilizing variant allele frequency, disease prevalence and penetrance estimates, and inheritance mode, an automated score was calculated to assess if this variant is too frequent to cause the disease. Based on the score and internal cut-off values, a variant classified as benign is not then subjected to further curation. The score for this variant resulted in a classification of benign for this disease.

GeneDx
Classification: Benign. Last evaluated: 2013-10-28. Review status: criteria provided, single submitter. Criteria: GeneDx Variant Classification (06012015). Collection method: clinical testing. Allele origin: germline. Affected: yes.
Comment: This variant is considered likely benign or benign based on one or more of the following criteria: it is a conservative change, it occurs at a poorly conserved position in the protein, it is predicted to be benign by multiple in silico algorithms, and/or has population frequency not consistent with disease.

Breakthrough Genomics
Classification: Benign. Review status: criteria provided, single submitter. Criteria: ACMG Guidelines, 2015. Collection method: not provided. Allele origin: germline. Inheritance: Autosomal recessive inheritance. Affected: yes.

PreventionGenetics, part of Exact Sciences
Classification: Benign. Review status: criteria provided, single submitter. Criteria: ACMG Guidelines, 2015. Collection method: clinical testing. Allele origin: germline.

Mayo Clinic Laboratories, Mayo Clinic
Classification: Benign. Last evaluated: 2016-02-24. Review status: no assertion criteria provided. Collection method: clinical testing. Allele origin: unknown. Not counted in ClinVar's aggregate classification.

Genetic Services Laboratory, University of Chicago
Classification: Likely benign for AllHighlyPenetrant. Review status: no assertion criteria provided. Collection method: clinical testing. Allele origin: germline. Inheritance: Autosomal recessive inheritance. Not counted in ClinVar's aggregate classification.
Comment: Likely benign based on allele frequency in 1000 Genomes Project or ESP global frequency and its presence in a patient with a rare or unrelated disease phenotype. NOT Sanger confirmed.

NM_025243.4(SLC19A3):c.1049T>C (p.Val350Ala)

Gene: SLC19A3 (solute carrier family 19 member 3; minus strand). Cytogenetic location: 2q36.3.
Variant type: single nucleotide variant.
Coding change: c.1049T>C on transcript NM_025243.4 (MANE Select); coding-DNA position 1049, T replaced by C.
Protein change: p.Val350Ala; replaces valine 350 with alanine.
Molecular consequence: missense variant.
Genome position (GRCh38, 1-based): chr2:227,696,012, A>G on the plus strand (T>C on the coding strand, the complement: SLC19A3 is on the minus strand). VCF-style: chr2-227696012-A-G. GRCh37 (hg19) VCF-style: chr2-228560728-A-G.
Other names: p.V350A:GTG>GCG; short protein forms V350A.
Identifiers: ClinVar variation 130320 (VCV000130320.24), dbSNP rs34507036, ClinGen allele CA155217.